The following is an entry in ClinVar:

ClinVar aggregate classification (germline): Uncertain significance (1 of 4 stars; one submission).

Conditions:
Cardiovascular phenotype. Identifiers: MedGen CN230736.

Submission:

Ambry Genetics
Classification: Uncertain significance for Cardiovascular phenotype. Last evaluated: 2020-09-22. Review status: criteria provided, single submitter. Criteria: Ambry Variant Classification Scheme 2023. Collection method: clinical testing. Allele origin: germline.
Comment: The p.K1290E variant (also known as c.3868A>G), located in coding exon 19 of the MYPN gene, results from an A to G substitution at nucleotide position 3868. The lysine at codon 1290 is replaced by glutamic acid, an amino acid with similar properties. This amino acid position is not well conserved in available vertebrate species. In addition, this alteration is predicted to be tolerated by in silico analysis. Since supporting evidence is limited at this time, the clinical significance of this alteration remains unclear.

NM_032578.4(MYPN):c.3868A>G (p.Lys1290Glu)

Gene: MYPN (myopalladin; plus strand). Cytogenetic location: 10q21.3.
Variant type: single nucleotide variant.
Coding change: c.3868A>G on transcript NM_032578.4 (MANE Select); coding-DNA position 3868, A replaced by G.
Protein change: p.Lys1290Glu; replaces lysine 1290 with glutamic acid.
Molecular consequence: missense variant. On other transcripts: non-coding transcript variant (2).
Genome position (GRCh38, 1-based): chr10:68,210,360, A>G. VCF-style: chr10-68210360-A-G. GRCh37 (hg19) VCF-style: chr10-69970117-A-G.
Other names: c.3868A>G, p.Lys1290Glu (NM_001256267.2); c.2986A>G, p.Lys996Glu (NM_001256268.2); short protein forms K996E, K1290E.
Identifiers: ClinVar variation 1735654 (VCV001735654.2), dbSNP rs2496049587, ClinGen allele CA376830070.
Genomic context (GRCh38, chr10:68,210,360, plus strand): 5'-CAGATCCCACCGCCCATGTCTGTCCGGCCCAGTGGCAGTCGCTACGGATCTCTCACCAGT[A>G]AAGGACTTGACATATTTTCTGCCTTTTCCTCCATGGAAAGCACGATGGTGTATTCATGCT-3'
Protein context (NP_115967.2, residues 1280-1300): SGSRYGSLTS[Lys1290Glu]GLDIFSAFSS